The following is an entry in ClinVar:

ClinVar aggregate classification (germline): Uncertain significance (1 of 4 stars; one submission).

Conditions:
DiGeorge syndrome. Also called: THIRD AND FOURTH PHARYNGEAL POUCH SYNDROME; Catch22. Identifiers: Orphanet 567, MedGen C0012236, MONDO:0008564, OMIM 188400.

Allele frequency attached by ClinVar (database versions not stated): TOPMed below 0.00001.

Submission:

Labcorp Genetics (formerly Invitae), Labcorp
Classification: Uncertain significance for DiGeorge syndrome. Last evaluated: 2021-12-24. Review status: criteria provided, single submitter. Criteria: Invitae Variant Classification Sherloc (09022015). Collection method: clinical testing. Allele origin: germline.
Comment: This sequence change replaces cysteine, which is neutral and slightly polar, with tyrosine, which is neutral and polar, at codon 53 of the TBX1 protein (p.Cys53Tyr). The frequency data for this variant in the population databases is considered unreliable, as metrics indicate insufficient coverage at this position in the gnomAD database. This variant has not been reported in the literature in individuals affected with TBX1-related conditions. Algorithms developed to predict the effect of missense changes on protein structure and function are either unavailable or do not agree on the potential impact of this missense change (SIFT: "Deleterious"; PolyPhen-2: "Not Available"; Align-GVGD: "Class C0"). In summary, the available evidence is currently insufficient to determine the role of this variant in disease. Therefore, it has been classified as a Variant of Uncertain Significance.

NM_001379200.1(TBX1):c.185G>A (p.Cys62Tyr)

Gene: TBX1 (T-box transcription factor 1; plus strand). Cytogenetic location: 22q11.21.
Variant type: single nucleotide variant.
Coding change: c.185G>A on transcript NM_001379200.1 (MANE Select); coding-DNA position 185, G replaced by A.
Protein change: p.Cys62Tyr; replaces cysteine 62 with tyrosine.
Molecular consequence: missense variant.
Genome position (GRCh38, 1-based): chr22:19,761,028, G>A. VCF-style: chr22-19761028-G-A. GRCh37 (hg19) VCF-style: chr22-19748551-G-A.
Other names: c.158G>A, p.Cys53Tyr (NM_005992.1, NM_080646.2, NM_080647.1); short protein forms C62Y, C53Y.
Identifiers: ClinVar variation 2176773 (VCV002176773.4), dbSNP rs1163275804, ClinGen allele CA410681329.